The following is an entry in ClinVar:

NM_012431.3(SEMA3E):c.1554C>T (p.His518=)

Gene: SEMA3E (semaphorin 3E; minus strand). Cytogenetic location: 7q21.11.
Variant type: single nucleotide variant.
Coding change: c.1554C>T on transcript NM_012431.3 (MANE Select); coding-DNA position 1554, C replaced by T.
Protein change: p.His518=; no amino-acid change (histidine 518 retained).
Molecular consequence: synonymous variant.
Genome position (GRCh38, 1-based): chr7:83,392,668, G>A on the plus strand (C>T on the coding strand, the complement: SEMA3E is on the minus strand). VCF-style: chr7-83392668-G-A. GRCh37 (hg19) VCF-style: chr7-83021984-G-A.
Other names: c.1374C>T, p.His458= (NM_001178129.2).
Identifiers: ClinVar variation 3355094 (VCV003355094.1).
Genomic context (GRCh38, chr7:83,392,668, plus strand): 5'-GGCACAGTAAGGGTCTCGAGCCAGGCAGCAGTCAGCACAAGCACTTCCATACATGTCACA[G>A]TGATGGAATCTGACTTGAGCCACAGCAGAAGCAGATCCAATATACAGCTGTTGCTACAGA-3'
Protein context (NP_036563.1, residues 508-528): ASAVAQVRFH[His518=]CDMYGSACAD

ClinVar aggregate classification (germline): Likely benign (0 of 4 stars; one submission).

Conditions:
SEMA3E-related disorder. Also called: SEMA3E-related condition.

gnomAD v4.1: 1 of 1,613,804 alleles (0.000062%); highest among the groups gnomAD compares: Non-Finnish European, 0.000085%; no homozygotes.

Submission:

PreventionGenetics, part of Exact Sciences
Classification: Likely benign for SEMA3E-related condition. Last evaluated: 2023-11-29. Review status: no assertion criteria provided. Collection method: clinical testing. Allele origin: germline.
Comment: This variant is classified as likely benign based on ACMG/AMP sequence variant interpretation guidelines (Richards et al. 2015 PMID: 25741868, with internal and published modifications).